The following is an entry in ClinVar:

ClinVar aggregate classification (germline): Uncertain significance (1 of 4 stars; one submission).

Submission:

Ambry Genetics
Classification: Uncertain significance. Last evaluated: 2024-09-23. Review status: criteria provided, single submitter. Criteria: Ambry Variant Classification Scheme 2023. Collection method: clinical testing. Allele origin: germline.
Comment: The p.M132T variant (also known as c.395T>C), located in coding exon 4 of the NQO1 gene, results from a T to C substitution at nucleotide position 395. The methionine at codon 132 is replaced by threonine, an amino acid with similar properties. This amino acid position is conserved. In addition, this alteration is predicted to be tolerated by in silico analysis. Based on the available evidence, the clinical significance of this variant remains unclear.

NM_000903.3(NQO1):c.395T>C (p.Met132Thr)

Gene: NQO1 (NAD(P)H quinone dehydrogenase 1; minus strand). Cytogenetic location: 16q22.1.
Variant type: single nucleotide variant.
Coding change: c.395T>C on transcript NM_000903.3 (MANE Select); coding-DNA position 395, T replaced by C.
Protein change: p.Met132Thr; replaces methionine 132 with threonine.
Molecular consequence: missense variant. On other transcripts: intron variant (2).
Genome position (GRCh38, 1-based): chr16:69,714,986, A>G on the plus strand (T>C on the coding strand, the complement: NQO1 is on the minus strand). VCF-style: chr16-69714986-A-G. GRCh37 (hg19) VCF-style: chr16-69748889-A-G.
Other names: c.395T>C, p.Met132Thr (NM_001025433.2); c.303+3137T>C (NM_001286137.2); c.304-1857T>C (NM_001025434.2); short protein forms M132T.
Identifiers: ClinVar variation 3201846 (VCV003201846.2), dbSNP rs555785846, ClinGen allele CA396488835.